The following is an entry in ClinVar:

NM_001161352.2(KCNMA1):c.2193C>T (p.Asn731=)

Gene: KCNMA1 (potassium calcium-activated channel subfamily M alpha 1; minus strand). Cytogenetic location: 10q22.3.
Variant type: single nucleotide variant.
Coding change: c.2193C>T on transcript NM_001161352.2 (MANE Select); coding-DNA position 2193, C replaced by T.
Protein change: p.Asn731=; no amino-acid change (asparagine 731 retained).
Molecular consequence: synonymous variant. On other transcripts: intron variant (13).
Genome position (GRCh38, 1-based): chr10:77,001,480, G>A on the plus strand (C>T on the coding strand, the complement: KCNMA1 is on the minus strand). VCF-style: chr10-77001480-G-A. GRCh37 (hg19) VCF-style: chr10-78761238-G-A.
Other names: c.1942+10487C>T (NM_001271518.2); c.2092+10487C>T (NM_001322832.2, NM_001410940.1, NM_002247.4 and 1 more transcripts); c.2101+6705C>T (NM_001322829.2, NM_001322836.2, NM_001271519.2); c.2104+10487C>T (NM_001014797.3, NM_001322835.2, NM_001322837.2); c.2113+6705C>T (NM_001322830.2); c.1552+10487C>T (NM_001322838.2).
Identifiers: ClinVar variation 3058232 (VCV003058232.2), dbSNP rs780566555, ClinGen allele CA5568198.
Genomic context (GRCh38, chr10:77,001,480, plus strand): 5'-GGTGGAGCAATCATTAACAGAGACAGAAGAAAGTGGGAAGGCTCTCTCAAGGGTGTCCAC[G>A]TTACCACGCACACGGCCTGACATGCATGAGCAGTCACGCTCAGAACGTCCGCAATCAAAA-3'
Protein context (NP_001154824.1, residues 721-741): CSCMSGRVRG[Asn731=]VDTLERAFPL

ClinVar aggregate classification (germline): Likely benign (0 of 4 stars; one submission).

Conditions:
KCNMA1-related disorder. Also called: KCNMA1-related disorders; KCNMA1-related condition.

Allele frequency attached by ClinVar (database versions not stated): TOPMed 0.00001; gnomAD 0.00002; ExAC 0.00004.
gnomAD v4.1: 51 of 1,551,806 alleles (0.0033%); highest among the groups gnomAD compares: East Asian, 0.054%; no homozygotes.

Submission:

PreventionGenetics, part of Exact Sciences
Classification: Likely benign for KCNMA1-related condition. Last evaluated: 2019-03-29. Review status: no assertion criteria provided. Collection method: clinical testing. Allele origin: germline.
Comment: This variant is classified as likely benign based on ACMG/AMP sequence variant interpretation guidelines (Richards et al. 2015 PMID: 25741868, with internal and published modifications).